The following is an entry in ClinVar:

ClinVar aggregate classification (germline): Uncertain significance (1 of 4 stars; one submission).

gnomAD v4.1: 5 of 1,609,858 alleles (0.00031%); highest among the groups gnomAD compares: African/African-American, 0.0067%; no homozygotes.

Submission:

Labcorp Genetics (formerly Invitae), Labcorp
Classification: Uncertain significance. Last evaluated: 2025-06-17. Review status: criteria provided, single submitter. Criteria: Invitae Variant Classification Sherloc (09022015). Collection method: clinical testing. Allele origin: germline.
Comment: This sequence change affects codon 269 of the SRP54 mRNA. It is a 'silent' change, meaning that it does not change the encoded amino acid sequence of the SRP54 protein. This variant is present in population databases (rs757742080, gnomAD 0.007%). This variant has not been reported in the literature in individuals affected with SRP54-related conditions. Algorithms developed to predict the effect of sequence changes on RNA splicing suggest that this variant may disrupt the consensus splice site. In summary, the available evidence is currently insufficient to determine the role of this variant in disease. Therefore, it has been classified as a Variant of Uncertain Significance.

NM_003136.4(SRP54):c.807G>C (p.Pro269=)

Gene: SRP54 (signal recognition particle 54; plus strand). Cytogenetic location: 14q13.2.
Variant type: single nucleotide variant.
Coding change: c.807G>C on transcript NM_003136.4 (MANE Select); coding-DNA position 807, G replaced by C.
Protein change: p.Pro269=; no amino-acid change (proline 269 retained).
Molecular consequence: synonymous variant.
Genome position (GRCh38, 1-based): chr14:35,013,823, G>C. VCF-style: chr14-35013823-G-C. GRCh37 (hg19) VCF-style: chr14-35483029-G-C.
Other names: c.660G>C, p.Pro220= (NM_001146282.2); c.807G>C, p.Pro269= (NM_001411017.1, NM_001440813.1).
Identifiers: ClinVar variation 4804520 (VCV004804520.1).
Genomic context (GRCh38, chr14:35,013,823, plus strand): 5'-TTCTTTTGAGGTTATTTTATATTTTCTTTTTTTTTCCAGAGTCGCTGCCACAAAAAGTCC[G>C]ATTATTTTCATTGGTACAGGGGAACATATAGATGACTTTGAACCTTTCAAAACACAGCCT-3'
Protein context (NP_003127.1, residues 259-279): ALSAVAATKS[Pro269=]IIFIGTGEHI